The following is an entry in ClinVar:

NM_006329.4(FBLN5):c.1312C>T (p.Arg438Ter)

Gene: FBLN5 (fibulin 5; minus strand). Cytogenetic location: 14q32.12.
Variant type: single nucleotide variant.
Coding change: c.1312C>T on transcript NM_006329.4 (MANE Select); coding-DNA position 1312, C replaced by T.
Protein change: p.Arg438Ter; replaces arginine 438 with a stop codon.
Molecular consequence: nonsense. On other transcripts: 3 prime UTR variant (2).
Genome position (GRCh38, 1-based): chr14:91,870,259, G>A on the plus strand (C>T on the coding strand, the complement: FBLN5 is on the minus strand). VCF-style: chr14-91870259-G-A. GRCh37 (hg19) VCF-style: chr14-92336603-G-A.
Other names: c.1435C>T, p.Arg479Ter (NM_001384158.1); c.1363C>T, p.Arg455Ter (NM_001384159.1); c.*96C>T (NM_001384160.1, NM_001384161.1); c.1144C>T, p.Arg382Ter (NM_001384162.1); short protein forms R382*, R438*, R455*, R479*.
Identifiers: ClinVar variation 2644460 (VCV002644460.24), dbSNP rs1213079025, ClinGen allele CA390639040.

ClinVar aggregate classification (germline): Uncertain significance (1 of 4 stars; one submission).

Allele frequency attached by ClinVar (database versions not stated): gnomAD exomes below 0.00001; TOPMed below 0.00001.
gnomAD v4.1: 3 of 1,614,202 alleles (0.00019%); highest among the groups gnomAD compares: African/African-American, 0.0013%; no homozygotes.

Submission:

CeGaT Center for Human Genetics Tuebingen
Classification: Uncertain significance. Last evaluated: 2023-03-01. Review status: criteria provided, single submitter. Criteria: CeGaT Center For Human Genetics Tuebingen Variant Classification Criteria Version 2. Collection method: clinical testing. Allele origin: germline. Affected: yes. Observed: 1 variant allele.
Comment: FBLN5: PM2